The following is an entry in ClinVar:

NM_000202.8(IDS):c.428C>T (p.Ser143Phe)

Genes: IDS (iduronate 2-sulfatase; minus strand), LOC106050102 (IDS recombination region; plus strand). Cytogenetic location: Xq28.
Variant type: single nucleotide variant.
Coding change: c.428C>T on transcript NM_000202.8 (MANE Select); coding-DNA position 428, C replaced by T.
Protein change: p.Ser143Phe; replaces serine 143 with phenylalanine.
Molecular consequence: missense variant. On other transcripts: non-coding transcript variant (1).
Genome position (GRCh38, 1-based): chrX:149,501,028, G>A on the plus strand (C>T on the coding strand, the complement: IDS is on the minus strand). VCF-style: chrX-149501028-G-A. GRCh37 (hg19) VCF-style: chrX-148582559-G-A.
Other names: c.158C>T, p.Ser53Phe (NM_001166550.4); c.428C>T, p.Ser143Phe (NM_006123.5); short protein forms S143F, S53F.
Identifiers: ClinVar variation 3255723 (VCV003255723.2).

ClinVar aggregate classification (germline): Likely pathogenic (1 of 4 stars; one submission).

Conditions:
Mucopolysaccharidosis, MPS-II (MPS2). Also called: Hunter Syndrome; IDURONATE 2-SULFATASE DEFICIENCY; Mucopolysaccharidosis Type II; Mucopolysaccharidosis type 2; Attenuated MPS (subtype; formerly known as mild MPS II); Severe MPS II. Identifiers: Orphanet 580, Orphanet 79388, MedGen C0026705, MONDO:0010674, OMIM 309900.

Submission:

Laboratory of Diagnosis and Therapy of Lysosomal Disorders, University of Padova
Classification: Likely pathogenic for Mucopolysaccharidosis, MPS-II. Last evaluated: 2024-06-07. Review status: criteria provided, single submitter. Criteria: ACMG Guidelines, 2015. Collection method: literature only. Allele origin: germline. Affected: yes. Observed: 3 variant alleles.
Comment: Absent from controls (or at low frequency) in gnomAD database (PM2_Moderate), Missense variant in a gene with a low rate of benign missense variation (PP2_Supporting), Multiple lines of computational evidence support a deleterious effect (PP3_Supporting), Patient’s phenotype or family history highly specific for the disease (PP4_Strong)

Classification method: ACMG Guidelines [PMID:25741868] with modifications

Literature cited by the submitters: PubMed 10671065; PubMed 27146977; PubMed 10220152.